The following is an entry in ClinVar:

ClinVar aggregate classification (germline): Uncertain significance (1 of 4 stars; one submission).

Allele frequency attached by ClinVar (database versions not stated): ExAC 0.00001.

Submission:

Labcorp Genetics (formerly Invitae), Labcorp
Classification: Uncertain significance. Last evaluated: 2022-04-08. Review status: criteria provided, single submitter. Criteria: Invitae Variant Classification Sherloc (09022015). Collection method: clinical testing. Allele origin: germline.
Comment: In summary, the available evidence is currently insufficient to determine the role of this variant in disease. Therefore, it has been classified as a Variant of Uncertain Significance. Algorithms developed to predict the effect of missense changes on protein structure and function are either unavailable or do not agree on the potential impact of this missense change (SIFT: "Tolerated"; PolyPhen-2: "Possibly Damaging"; Align-GVGD: "Class C0"). This variant has not been reported in the literature in individuals affected with P2RX2-related conditions. The frequency data for this variant in the population databases is considered unreliable, as metrics indicate poor data quality at this position in the gnomAD database. This sequence change replaces arginine, which is basic and polar, with leucine, which is neutral and non-polar, at codon 16 of the P2RX2 protein (p.Arg16Leu).

NM_170682.4(P2RX2):c.47G>T (p.Arg16Leu)

Gene: P2RX2 (purinergic receptor P2X 2; plus strand). Cytogenetic location: 12q24.33.
Variant type: single nucleotide variant.
Coding change: c.47G>T on transcript NM_170682.4 (MANE Select); coding-DNA position 47, G replaced by T.
Protein change: p.Arg16Leu; replaces arginine 16 with leucine.
Molecular consequence: missense variant.
Genome position (GRCh38, 1-based): chr12:132,618,863, G>T. VCF-style: chr12-132618863-G-T. GRCh37 (hg19) VCF-style: chr12-133195449-G-T.
Other names: c.47G>T, p.Arg16Leu (NM_001282164.2, NM_001282165.2, NM_012226.5 and 4 more transcripts); short protein forms R16L.
Identifiers: ClinVar variation 1953581 (VCV001953581.5), dbSNP rs762889627, ClinGen allele CA6891313.